The following is an entry in ClinVar:

NM_018026.4(PACS1):c.957_959dup (p.Ser320_Thr321insSer)

Gene: PACS1 (phosphofurin acidic cluster sorting protein 1; plus strand). Cytogenetic location: 11q13.2.
Variant type: Duplication.
Coding change: c.957_959dup on transcript NM_018026.4 (MANE Select); coding-DNA positions 957 to 959, 3 bases duplicated (CTC; older notation c.957_959dupCTC).
Protein change: p.Ser320_Thr321insSer.
Molecular consequence: inframe insertion.
Genome position (GRCh38, 1-based): chr11:66,216,754-66,216,756, CTC duplicated; duplicating any 3 consecutive bases within chr11:66,216,753-66,216,756 gives the same sequence; the c. name uses the placement nearest the transcript's 3' end. VCF-style (leftmost placement, unchanged base first): chr11-66216752-A-ACCT. GRCh37 (hg19) VCF-style: chr11-65984223-A-ACCT.
Identifiers: ClinVar variation 2003704 (VCV002003704.4), dbSNP rs2495551571, ClinGen allele CA2580084525.

ClinVar aggregate classification (germline): Uncertain significance (1 of 4 stars; one submission).

Conditions:
Schuurs-Hoeijmakers syndrome. Also called: PACS1-Related Neurodevelopmental Disorder. Identifiers: Orphanet 329224, MedGen C3554343, MONDO:0014006, OMIM 615009.

Submission:

Labcorp Genetics (formerly Invitae), Labcorp
Classification: Uncertain significance for Schuurs-Hoeijmakers syndrome. Last evaluated: 2025-02-27. Review status: criteria provided, single submitter. Criteria: Invitae Variant Classification Sherloc (09022015). Collection method: clinical testing. Allele origin: germline.
Comment: This variant, c.957_959dup, results in the insertion of 1 amino acid(s) of the PACS1 protein (p.Ser320dup), but otherwise preserves the integrity of the reading frame. This variant is not present in population databases (gnomAD no frequency). This variant has not been reported in the literature in individuals affected with PACS1-related conditions. ClinVar contains an entry for this variant (Variation ID: 2003704). In summary, the available evidence is currently insufficient to determine the role of this variant in disease. Therefore, it has been classified as a Variant of Uncertain Significance.